The following is an entry in ClinVar:

ClinVar aggregate classification (germline): Likely benign (1 of 4 stars; one submission).

Conditions:
NIPBL-related disorder. Also called: NIPBL-related condition.

Submission:

PreventionGenetics, part of Exact Sciences
Classification: Likely benign for NIPBL-related condition. Last evaluated: 2025-12-19. Review status: criteria provided, single submitter. Criteria: ACMG Guidelines, 2015. Collection method: clinical testing. Allele origin: germline.
Comment: This variant is classified as likely benign based on ACMG/AMP sequence variant interpretation guidelines (Richards et al. 2015 PMID: 25741868, with internal and published modifications).

NM_133433.4(NIPBL):c.-462C>G

Gene: NIPBL (NIPBL cohesin loading factor; plus strand). Cytogenetic location: 5p13.2.
Variant type: single nucleotide variant.
Coding change: c.-462C>G on transcript NM_133433.4 (MANE Select); 462 bases upstream of the start codon, C replaced by G.
Molecular consequence: 5 prime UTR variant.
Genome position (GRCh38, 1-based): chr5:36,876,796, C>G. VCF-style: chr5-36876796-C-G. GRCh37 (hg19) VCF-style: chr5-36876898-C-G.
Other names: c.-462C>G (NM_001438586.1, NM_015384.5).
Identifiers: ClinVar variation 4996094 (VCV004996094.1).